The following is an entry in ClinVar:

ClinVar aggregate classification (germline): Uncertain significance. Review status: criteria provided, multiple submitters, no conflicts (2 of 4 stars). 3 submissions from 3 submitters: Uncertain significance (3). Last evaluated 2024-11-21.

Conditions:
Hereditary cancer-predisposing syndrome. Also called: Hereditary Cancer Syndrome; Tumor predisposition; Hereditary neoplastic syndrome; Neoplastic Syndromes, Hereditary. Identifiers: Orphanet 140162, MedGen C0027672, MeSH D009386, MONDO:0015356.
Cardiovascular phenotype. Identifiers: MedGen CN230736.

Allele frequency attached by ClinVar (database versions not stated): gnomAD exomes below 0.00001.
gnomAD v4.1: 5 of 1,613,698 alleles (0.00031%); highest among the groups gnomAD compares: South Asian, 0.0011%; no homozygotes.

Submissions (3):

Labcorp Genetics (formerly Invitae), Labcorp
Classification: Uncertain significance. Last evaluated: 2024-11-21. Review status: criteria provided, single submitter. Criteria: Invitae Variant Classification Sherloc (09022015). Collection method: clinical testing. Allele origin: germline.
Comment: This sequence change replaces leucine, which is neutral and non-polar, with proline, which is neutral and non-polar, at codon 793 of the LZTR1 protein (p.Leu793Pro). This variant is not present in population databases (gnomAD no frequency). This variant has not been reported in the literature in individuals affected with LZTR1-related conditions. ClinVar contains an entry for this variant (Variation ID: 1254014). Invitae Evidence Modeling of protein sequence and biophysical properties (such as structural, functional, and spatial information, amino acid conservation, physicochemical variation, residue mobility, and thermodynamic stability) indicates that this missense variant is not expected to disrupt LZTR1 protein function with a negative predictive value of 80%. In summary, the available evidence is currently insufficient to determine the role of this variant in disease. Therefore, it has been classified as a Variant of Uncertain Significance.

Ambry Genetics
Classification: Uncertain significance for Cardiovascular phenotype; Hereditary cancer-predisposing syndrome. Last evaluated: 2024-07-25. Review status: criteria provided, single submitter. Criteria: Ambry Variant Classification Scheme 2023. Collection method: clinical testing. Allele origin: germline.
Comment: The p.L793P variant (also known as c.2378T>C), located in coding exon 20 of the LZTR1 gene, results from a T to C substitution at nucleotide position 2378. The leucine at codon 793 is replaced by proline, an amino acid with similar properties. This amino acid position is highly conserved in available vertebrate species. In addition, this alteration is predicted to be deleterious by in silico analysis. Since supporting evidence is limited at this time, the clinical significance of this alteration remains unclear.

GeneDx
Classification: Uncertain significance. Last evaluated: 2023-04-21. Review status: criteria provided, single submitter. Criteria: GeneDx Variant Classification Process June 2021. Collection method: clinical testing. Allele origin: germline. Affected: yes.
Comment: Not observed at significant frequency in large population cohorts (gnomAD); In silico analysis supports that this missense variant has a deleterious effect on protein structure/function; Has not been previously published as pathogenic or benign to our knowledge

NM_006767.4(LZTR1):c.2378T>C (p.Leu793Pro)

Gene: LZTR1 (leucine zipper like post translational regulator 1; plus strand). Cytogenetic location: 22q11.21.
Variant type: single nucleotide variant.
Coding change: c.2378T>C on transcript NM_006767.4 (MANE Select); coding-DNA position 2378, T replaced by C.
Protein change: p.Leu793Pro; replaces leucine 793 with proline.
Molecular consequence: missense variant.
Genome position (GRCh38, 1-based): chr22:20,996,938, T>C. VCF-style: chr22-20996938-T-C. GRCh37 (hg19) VCF-style: chr22-21351227-T-C.
Other names: short protein forms L793P.
Identifiers: ClinVar variation 1254014 (VCV001254014.12), dbSNP rs1057518130, ClinGen allele CA410781122.
Genomic context (GRCh38, chr22:20,996,938, plus strand): 5'-CATTGCAGATCCTGGAGGCAGCTGACAAAACGCAGGCACTGGACATGAAGCGGCACTGCC[T>C]GCACATCATTGTGCACCAGTTCACCAAGGTCAGGGCTCTGGCCTCCCCTTCAGGACTCGC-3'
Protein context (NP_006758.2, residues 783-803): TQALDMKRHC[Leu793Pro]HIIVHQFTKV